The following is an entry in ClinVar:

NM_018136.5(ASPM):c.9202G>C (p.Ala3068Pro)

Gene: ASPM (assembly factor for spindle microtubules; minus strand). Cytogenetic location: 1q31.3.
Variant type: single nucleotide variant.
Coding change: c.9202G>C on transcript NM_018136.5 (MANE Select); coding-DNA position 9202, G replaced by C.
Protein change: p.Ala3068Pro; replaces alanine 3068 with proline.
Molecular consequence: missense variant.
Genome position (GRCh38, 1-based): chr1:197,093,144, C>G on the plus strand (G>C on the coding strand, the complement: ASPM is on the minus strand). VCF-style: chr1-197093144-C-G. GRCh37 (hg19) VCF-style: chr1-197062274-C-G.
Other names: c.4447G>C, p.Ala1483Pro (NM_001206846.2); short protein forms A1483P, A3068P.
Identifiers: ClinVar variation 1525454 (VCV001525454.7), dbSNP rs1558324125, ClinGen allele CA344007082.

ClinVar aggregate classification (germline): Uncertain significance (1 of 4 stars; one submission).

Allele frequency attached by ClinVar (database versions not stated): gnomAD exomes below 0.00001.
gnomAD v4.1: 4 of 1,612,404 alleles (0.00025%); highest among the groups gnomAD compares: Admixed American, 0.0017%; no homozygotes.

Submission:

Labcorp Genetics (formerly Invitae), Labcorp
Classification: Uncertain significance. Last evaluated: 2021-04-11. Review status: criteria provided, single submitter. Criteria: Invitae Variant Classification Sherloc (09022015). Collection method: clinical testing. Allele origin: germline.
Comment: This sequence change replaces alanine with proline at codon 3068 of the ASPM protein (p.Ala3068Pro). The alanine residue is moderately conserved and there is a small physicochemical difference between alanine and proline. This variant is not present in population databases (ExAC no frequency). This variant has not been reported in the literature in individuals with ASPM-related conditions. Algorithms developed to predict the effect of missense changes on protein structure and function are either unavailable or do not agree on the potential impact of this missense change (SIFT: "Tolerated"; PolyPhen-2: "Possibly Damaging"; Align-GVGD: "Class C0"). In summary, the available evidence is currently insufficient to determine the role of this variant in disease. Therefore, it has been classified as a Variant of Uncertain Significance.